The following is an entry in ClinVar:

ClinVar aggregate classification (germline): Pathogenic/Likely pathogenic. Review status: criteria provided, multiple submitters, no conflicts (2 of 4 stars). 3 submissions from 3 submitters: Pathogenic (1); Likely pathogenic (2). Last evaluated 2024-09-03.

Conditions:
Nemaline myopathy 5 (NEM5A). Also called: NEMALINE MYOPATHY, AMISH TYPE; NEMALINE MYOPATHY 5A, AUTOSOMAL RECESSIVE, SEVERE INFANTILE; Nemaline myopathy 5, Amish type. Identifiers: Orphanet 98902, MedGen C1854380, MONDO:0011539, OMIM 605355.
Nemaline myopathy 5C, autosomal dominant (NEM5C). Identifiers: MedGen C5830549, MONDO:0957284, OMIM 620389.

Allele frequency attached by ClinVar (database versions not stated): gnomAD exomes below 0.00001.
gnomAD v4.1: 2 of 1,613,164 alleles (0.00012%); highest among the groups gnomAD compares: Middle Eastern, 0.016%; no homozygotes.

Submissions (3):

Genetics and Genomic Medicine Centre, NeuroGen Healthcare, NeuroGen Healthcare
Classification: Pathogenic for Nemaline myopathy 5C, autosomal dominant. Last evaluated: 2024-09-03. Review status: criteria provided, single submitter. Criteria: ACMG Guidelines, 2015. Collection method: clinical testing. Allele origin: unknown. Affected: yes.

Kariminejad - Najmabadi Pathology & Genetics Center
Classification: Likely pathogenic for Nemaline myopathy 5C, autosomal dominant. Last evaluated: 2024-03-10. Review status: criteria provided, single submitter. Criteria: ACMG Guidelines, 2015. Collection method: clinical testing. Allele origin: germline. Inheritance: Autosomal dominant inheritance. Affected: yes.
Comment: [PVS1 PP5_supporting PM2]

Neuberg Centre For Genomic Medicine, NCGM
Classification: Likely pathogenic for Nemaline myopathy 5. Review status: criteria provided, single submitter. Criteria: ACMG Guidelines, 2015. Collection method: clinical testing. Allele origin: germline. Affected: yes.
Comment: The stop gained p.K248* in TNNT1 (NM_003283.5) has not been reported previously as a pathogenic variant nor as a benign variant, to our knowledge. The p.K248* variant is novel (not in any individuals) in gnomAD Exomes and is novel (not in any individuals) in 1000 Genomes. This variant is predicted to cause loss of normal protein function through protein truncation. In silico tools predict the variant to be damaging while the residue is conserved across residues. For these reasons, this variant has been classified as Likely Pathogenic

NM_003283.6(TNNT1):c.742A>T (p.Lys248Ter)

Gene: TNNT1 (troponin T1, slow skeletal type; minus strand). Cytogenetic location: 19q13.42.
Variant type: single nucleotide variant.
Coding change: c.742A>T on transcript NM_003283.6 (MANE Select); coding-DNA position 742, A replaced by T.
Protein change: p.Lys248Ter; replaces lysine 248 with a stop codon.
Molecular consequence: nonsense.
Genome position (GRCh38, 1-based): chr19:55,134,074, T>A on the plus strand (A>T on the coding strand, the complement: TNNT1 is on the minus strand). VCF-style: chr19-55134074-T-A. GRCh37 (hg19) VCF-style: chr19-55645442-T-A.
Other names: c.694A>T, p.Lys232Ter (NM_001126132.3); c.661A>T, p.Lys221Ter (NM_001126133.3, NM_001291774.2); short protein forms K221*, K232*, K248*.
Identifiers: ClinVar variation 1878625 (VCV001878625.3), dbSNP rs2515403750, ClinGen allele CA407431515.